The following is an entry in ClinVar:

ClinVar aggregate classification (germline): Conflicting classifications of pathogenicity. Review status: criteria provided, conflicting classifications (1 of 4 stars). 7 submissions from 7 submitters: Uncertain significance (1); Benign (1); Likely benign (5). Last evaluated 2026-01-11.

Conditions:
Inborn genetic diseases. Identifiers: MedGen C0950123, MeSH D030342.
GSS-related disorder. Also called: GSS-related condition.
Inherited glutathione synthetase deficiency. Identifiers: Orphanet 32, MedGen C5979912, MONDO:0017909.
Glutathione synthetase deficiency with 5-oxoprolinuria. Also called: Reduced glutathione synthetase level; 5-OXOPROLINURIA DUE TO GLUTATHIONE SYNTHETASE DEFICIENCY; 5-Oxoprolinuria; Gluthathione synthetase deficiency; PYROGLUTAMIC ACIDURIA. Identifiers: Orphanet 289846, MedGen C0398746, MONDO:0009947, OMIM 266130, HP:0003343.

Allele frequency attached by ClinVar (database versions not stated): gnomAD exomes 0.00006 and 0.00018; ExAC 0.00026; 1000 Genomes Project 0.00060; 1000 Genomes Project 30x 0.00062; gnomAD 0.00069 and 0.00073; TOPMed 0.00083; ESP Exome Variant Server 0.00100.

Submissions (7):

Labcorp Genetics (formerly Invitae), Labcorp
Classification: Benign for Glutathione synthetase deficiency with 5-oxoprolinuria. Last evaluated: 2026-01-11. Review status: criteria provided, single submitter. Criteria: Invitae Variant Classification Sherloc (09022015). Collection method: clinical testing. Allele origin: germline.

PreventionGenetics, part of Exact Sciences
Classification: Likely benign for GSS-related condition. Last evaluated: 2025-10-01. Review status: criteria provided, single submitter. Criteria: ACMG Guidelines, 2015. Collection method: clinical testing. Allele origin: germline.
Comment: This variant is classified as likely benign based on ACMG/AMP sequence variant interpretation guidelines (Richards et al. 2015 PMID: 25741868, with internal and published modifications).

ARUP Laboratories, Molecular Genetics and Genomics, ARUP Laboratories
Classification: Likely benign. Last evaluated: 2024-08-30. Review status: criteria provided, single submitter. Criteria: ARUP Molecular Germline Variant Investigation Process 2024. Collection method: clinical testing. Allele origin: germline.

Blueprint Genetics
Classification: Likely benign. Last evaluated: 2024-04-22. Review status: criteria provided, single submitter. Criteria: ACMG Guidelines, 2015. Collection method: clinical testing. Allele origin: germline.

Ambry Genetics
Classification: Likely benign for Inborn genetic diseases. Last evaluated: 2022-07-06. Review status: criteria provided, single submitter. Criteria: Ambry Variant Classification Scheme 2023. Collection method: clinical testing. Allele origin: germline.

Illumina Laboratory Services, Illumina
Classification: Uncertain significance for Glutathione synthetase deficiency with 5-oxoprolinuria. Last evaluated: 2018-01-13. Review status: criteria provided, single submitter. Criteria: ICSL Variant Classification Criteria 13 December 2019. Collection method: clinical testing. Allele origin: germline.

GeneDx
Classification: Likely benign. Last evaluated: 2018-01-05. Review status: criteria provided, single submitter. Criteria: GeneDx Variant Classification (06012015). Collection method: clinical testing. Allele origin: germline. Affected: yes.
Comment: This variant is considered likely benign or benign based on one or more of the following criteria: it is a conservative change, it occurs at a poorly conserved position in the protein, it is predicted to be benign by multiple in silico algorithms, and/or has population frequency not consistent with disease.

NM_000178.4(GSS):c.816T>G (p.Pro272=)

Gene: GSS (glutathione synthetase; minus strand). Cytogenetic location: 20q11.22.
Variant type: single nucleotide variant.
Coding change: c.816T>G on transcript NM_000178.4 (MANE Select); coding-DNA position 816, T replaced by G.
Protein change: p.Pro272=; no amino-acid change (proline 272 retained).
Molecular consequence: synonymous variant.
Genome position (GRCh38, 1-based): chr20:34,935,594, A>C on the plus strand (T>G on the coding strand, the complement: GSS is on the minus strand). VCF-style: chr20-34935594-A-C. GRCh37 (hg19) VCF-style: chr20-33523397-A-C.
Other names: c.816T>G, p.Pro272= (NM_001322494.1, NM_001322495.1, LRG_1168t1); c.816T>G (NM_000178.3).
Identifiers: ClinVar variation 514272 (VCV000514272.21), dbSNP rs35051256, ClinGen allele CA9825956.